The following is an entry in ClinVar:

ClinVar aggregate classification (germline): Uncertain significance (1 of 4 stars; one submission).

gnomAD v4.1: 1 of 1,611,204 alleles (0.000062%); highest among the groups gnomAD compares: Non-Finnish European, 0.000085%; no homozygotes.

Submission:

Mayo Clinic Laboratories, Mayo Clinic
Classification: Uncertain significance. Last evaluated: 2023-06-30. Review status: criteria provided, single submitter. Criteria: ACMG Guidelines, 2015. Collection method: clinical testing. Allele origin: germline. Observed: 1 variant allele.
Comment: PM2_moderate

NM_001199753.2(CPT1C):c.1874A>G (p.Gln625Arg)

Gene: CPT1C (carnitine palmitoyltransferase 1C; plus strand). Cytogenetic location: 19q13.33.
Variant type: single nucleotide variant.
Coding change: c.1874A>G on transcript NM_001199753.2 (MANE Select); coding-DNA position 1874, A replaced by G.
Protein change: p.Gln625Arg; replaces glutamine 625 with arginine.
Molecular consequence: missense variant. On other transcripts: non-coding transcript variant (1).
Genome position (GRCh38, 1-based): chr19:49,711,816, A>G. VCF-style: chr19-49711816-A-G. GRCh37 (hg19) VCF-style: chr19-50215073-A-G.
Other names: p.Gln614Arg; c.1841A>G, p.Gln614Arg (NM_001136052.3, NM_001378485.1); c.1874A>G, p.Gln625Arg (NM_001199752.3, NM_001378483.1, NM_001378484.1 and 1 more transcripts); c.1940A>G, p.Gln647Arg (NM_001378482.1); c.1739A>G, p.Gln580Arg (NM_001378486.1, NM_001378488.1); c.1706A>G, p.Gln569Arg (NM_001378487.1); short protein forms Q569R, Q580R, Q614R, Q625R, Q647R.
Identifiers: ClinVar variation 3380632 (VCV003380632.1).
Genomic context (GRCh38, chr19:49,711,816, plus strand): 5'-CCTAAGTCGACTTCCTGTCTTTCCATGACCTGTGACCTCCCTGGGGACTGCAGGACCCAC[A>G]GTGCCTCGCCCTGTTCCGCGTGGCAGTGGACAAGCACCAGGCTCTGCTGAAGGCAGCCAT-3'
Protein context (NP_001186682.1, residues 615-635): AMEDKEKTDP[Gln625Arg]CLALFRVAVD